The following is an entry in ClinVar:

NM_001018116.2(CAVIN4):c.11A>G (p.Asn4Ser)

Gene: CAVIN4 (caveolae associated protein 4; plus strand). Cytogenetic location: 9q31.1.
Variant type: single nucleotide variant.
Coding change: c.11A>G on transcript NM_001018116.2 (MANE Select); coding-DNA position 11, A replaced by G.
Protein change: p.Asn4Ser; replaces asparagine 4 with serine.
Molecular consequence: missense variant.
Genome position (GRCh38, 1-based): chr9:100,578,154, A>G. VCF-style: chr9-100578154-A-G. GRCh37 (hg19) VCF-style: chr9-103340436-A-G.
Other names: c.11A>G, p.Asn4Ser (LRG_760t1); short protein forms N4S.
Identifiers: ClinVar variation 546417 (VCV000546417.2), dbSNP rs777061909, ClinGen allele CA196934889.

ClinVar aggregate classification (germline): Uncertain significance (1 of 4 stars; one submission).

Allele frequency attached by ClinVar (database versions not stated): gnomAD exomes below 0.00001; TOPMed 0.00001 and 0.00002.
gnomAD v4.1: 1 of 1,613,924 alleles (0.000062%); highest among the groups gnomAD compares: Non-Finnish European, 0.000085%; no homozygotes.

Submission:

GeneDx
Classification: Uncertain significance. Last evaluated: 2018-05-18. Review status: criteria provided, single submitter. Criteria: GeneDx Variant Classification (06012015). Collection method: clinical testing. Allele origin: germline. Affected: yes.
Comment: A variant of uncertain significance has been identified in the MURC gene. The N4S variant has not been published as pathogenic or been reported as benign to our knowledge. This variant is also not observed in large population cohorts (Lek et al., 2016). However, N4S is a conservative amino acid substitution, which is not likely to impact secondary protein structure as these residues share similar properties. In-silico analyses, including protein predictors and evolutionary conservation, support that this variant does not alter protein structure/function.